The following is an entry in ClinVar:

ClinVar aggregate classification (germline): Likely benign. Review status: criteria provided, multiple submitters, no conflicts (2 of 4 stars). 7 submissions from 7 submitters: Likely benign (5). 2 of the submissions do not count toward it. Last evaluated 2026-01-26.

Conditions:
Epidermodysplasia verruciformis. Identifiers: Orphanet 302, MedGen C0014522, MONDO:0009176.

Allele frequency attached by ClinVar (database versions not stated): 1000 Genomes Project 0.00020; 1000 Genomes Project 30x 0.00031; TOPMed 0.00067; gnomAD exomes 0.00077 and 0.00080; ExAC 0.00087; gnomAD 0.00097 and 0.00103; ESP Exome Variant Server 0.00115.
gnomAD v4.1: 1,301 of 1,612,292 alleles (0.081%); highest among the groups gnomAD compares: Non-Finnish European, 0.1%; 3 homozygotes.

Submissions (7):

Labcorp Genetics (formerly Invitae), Labcorp
Classification: Likely benign for Epidermodysplasia verruciformis. Last evaluated: 2026-01-26. Review status: criteria provided, single submitter. Criteria: Invitae Variant Classification Sherloc (09022015). Collection method: clinical testing. Allele origin: germline.

Laboratory of Genetics, Children's Clinical University Hospital Latvia
Classification: Likely benign. Last evaluated: 2025-02-16. Review status: criteria provided, single submitter. Criteria: ACMG Guidelines, 2015. Collection method: clinical testing. Allele origin: germline. Affected: yes.

Blueprint Genetics
Classification: Likely benign. Last evaluated: 2024-11-22. Review status: criteria provided, single submitter. Criteria: ACMG Guidelines, 2015. Collection method: clinical testing. Allele origin: germline.

CeGaT Center for Human Genetics Tuebingen
Classification: Likely benign. Last evaluated: 2023-01-01. Review status: criteria provided, single submitter. Criteria: CeGaT Center For Human Genetics Tuebingen Variant Classification Criteria Version 2. Collection method: clinical testing. Allele origin: germline. Affected: yes. Observed: 1 variant allele.
Comment: TMC8: BP4, BP7

Breakthrough Genomics
Classification: Likely benign. Review status: criteria provided, single submitter. Criteria: ACMG Guidelines, 2015. Collection method: not provided. Allele origin: germline. Inheritance: Autosomal recessive inheritance. Affected: yes.

Clinical Genetics DNA and cytogenetics Diagnostics Lab, Erasmus MC, Erasmus Medical Center
Classification: Likely benign. Review status: no assertion criteria provided. Collection method: clinical testing. Allele origin: germline. Affected: yes. Study: VKGL Data-share Consensus. Not counted in ClinVar's aggregate classification.

Genome Diagnostics Laboratory, University Medical Center Utrecht
Classification: Likely benign. Review status: no assertion criteria provided. Collection method: clinical testing. Allele origin: germline. Affected: yes. Study: VKGL Data-share Consensus. Not counted in ClinVar's aggregate classification.

NM_152468.5(TMC8):c.660T>C (p.Thr220=)

Gene: TMC8 (transmembrane channel like 8; plus strand). Cytogenetic location: 17q25.3.
Variant type: single nucleotide variant.
Coding change: c.660T>C on transcript NM_152468.5 (MANE Select); coding-DNA position 660, T replaced by C.
Protein change: p.Thr220=; no amino-acid change (threonine 220 retained).
Molecular consequence: synonymous variant.
Genome position (GRCh38, 1-based): chr17:78,133,534, T>C. VCF-style: chr17-78133534-T-C. GRCh37 (hg19) VCF-style: chr17-76129615-T-C.
Identifiers: ClinVar variation 526265 (VCV000526265.40), dbSNP rs144040084, ClinGen allele CA8796550.